The following is an entry in ClinVar:

NM_018699.4(PRDM5):c.1613C>T (p.Thr538Ile)

Gene: PRDM5 (PR/SET domain 5; minus strand). Cytogenetic location: 4q27.
Variant type: single nucleotide variant.
Coding change: c.1613C>T on transcript NM_018699.4 (MANE Select); coding-DNA position 1613, C replaced by T.
Protein change: p.Thr538Ile; replaces threonine 538 with isoleucine.
Molecular consequence: missense variant. On other transcripts: intron variant (1).
Genome position (GRCh38, 1-based): chr4:120,754,563, G>A on the plus strand (C>T on the coding strand, the complement: PRDM5 is on the minus strand). VCF-style: chr4-120754563-G-A. GRCh37 (hg19) VCF-style: chr4-121675718-G-A.
Other names: c.1520C>T, p.Thr507Ile (NM_001300823.2, NM_001379106.1); c.1646C>T, p.Thr549Ile (NM_001379104.1); c.1444+22625C>T (NM_001300824.2); short protein forms T507I, T538I, T549I.
Identifiers: ClinVar variation 1318636 (VCV001318636.6), dbSNP rs140622920, ClinGen allele CA3061003.

ClinVar aggregate classification (germline): Uncertain significance. Review status: criteria provided, multiple submitters, no conflicts (2 of 4 stars). 4 submissions from 4 submitters: Uncertain significance (4). Last evaluated 2026-02-06.

Conditions:
Cardiovascular phenotype. Identifiers: MedGen CN230736.

Allele frequency attached by ClinVar (database versions not stated): gnomAD exomes 0.00001 and 0.00003; ExAC 0.00002; gnomAD 0.00002; TOPMed 0.00003; ESP Exome Variant Server 0.00008.
gnomAD v4.1: 40 of 1,570,508 alleles (0.0025%); highest among the groups gnomAD compares: African/African-American, 0.0041%; no homozygotes.

Submissions (4):

Women's Health and Genetics/Laboratory Corporation of America, LabCorp
Classification: Uncertain significance. Last evaluated: 2026-02-06. Review status: criteria provided, single submitter. Criteria: LabCorp Variant Classification Summary - May 2015. Collection method: clinical testing. Allele origin: germline.
Comment: Variant summary: PRDM5 c.1613C>T (p.Thr538Ile) results in a non-conservative amino acid change in the encoded protein sequence. Algorithms developed to predict the effect of missense changes on protein structure and function are either unavailable or do not agree on the potential impact of this missense change. The variant allele was found at a frequency of 1.2e-05 in 251036 control chromosomes. The available data on variant occurrences in the general population are insufficient to allow any conclusion about variant significance. To our knowledge, no occurrence of c.1613C>T in individuals affected with PRDM5-related conditions and no experimental evidence demonstrating its impact on protein function have been reported. ClinVar contains an entry for this variant (Variation ID: 1318636). Based on the evidence outlined above, the variant was classified as uncertain significance.

Ambry Genetics
Classification: Uncertain significance for Cardiovascular phenotype. Last evaluated: 2024-12-28. Review status: criteria provided, single submitter. Criteria: Ambry Variant Classification Scheme 2023. Collection method: clinical testing. Allele origin: germline.
Comment: The p.T538I variant (also known as c.1613C>T), located in coding exon 14 of the PRDM5 gene, results from a C to T substitution at nucleotide position 1613. The threonine at codon 538 is replaced by isoleucine, an amino acid with similar properties. This amino acid position is conserved. In addition, this alteration is predicted to be tolerated by in silico analysis. Based on the available evidence, the clinical significance of this variant remains unclear.

Labcorp Genetics (formerly Invitae), Labcorp
Classification: Uncertain significance. Last evaluated: 2022-06-05. Review status: criteria provided, single submitter. Criteria: Invitae Variant Classification Sherloc (09022015). Collection method: clinical testing. Allele origin: germline.
Comment: This sequence change replaces threonine, which is neutral and polar, with isoleucine, which is neutral and non-polar, at codon 538 of the PRDM5 protein (p.Thr538Ile). This variant is present in population databases (rs140622920, gnomAD 0.004%). This variant has not been reported in the literature in individuals affected with PRDM5-related conditions. ClinVar contains an entry for this variant (Variation ID: 1318636). Algorithms developed to predict the effect of missense changes on protein structure and function are either unavailable or do not agree on the potential impact of this missense change (SIFT: "Deleterious"; PolyPhen-2: "Probably Damaging"; Align-GVGD: "Class C0"). In summary, the available evidence is currently insufficient to determine the role of this variant in disease. Therefore, it has been classified as a Variant of Uncertain Significance.

GeneDx
Classification: Uncertain significance. Last evaluated: 2020-06-26. Review status: criteria provided, single submitter. Criteria: GeneDx Variant Classification Process June 2021. Collection method: clinical testing. Allele origin: germline. Affected: yes.
Comment: Has not been previously published as pathogenic or benign to our knowledge; Not observed at a significant frequency in large population cohorts (Lek et al., 2016); In silico analysis supports that this missense variant does not alter protein structure/function